The following is an entry in ClinVar:

ClinVar aggregate classification (germline): Likely benign. Review status: criteria provided, multiple submitters, no conflicts (2 of 4 stars). 3 submissions from 3 submitters: Likely benign (2). 1 of the submissions does not count toward it. Last evaluated 2026-07-01.

Conditions:
ACTL6B-related disorder. Also called: ACTL6B-related condition.

Allele frequency attached by ClinVar (database versions not stated): ExAC 0.00041; 1000 Genomes Project 30x 0.00062; 1000 Genomes Project 0.00080; ESP Exome Variant Server 0.00146.
gnomAD v4.1: 332 of 1,612,676 alleles (0.021%); highest among the groups gnomAD compares: African/African-American, 0.36%; 3 homozygotes.

Submissions (3):

CeGaT Center for Human Genetics Tuebingen
Classification: Likely benign. Last evaluated: 2026-07-01. Review status: criteria provided, single submitter. Criteria: CeGaT Center For Human Genetics Tuebingen Variant Classification Criteria Version 2. Collection method: clinical testing. Allele origin: germline. Affected: yes. Observed: 7 variant alleles.
Comment: ACTL6B: BP4, BP7

Blueprint Genetics
Classification: Likely benign. Last evaluated: 2024-09-23. Review status: criteria provided, single submitter. Criteria: ACMG Guidelines, 2015. Collection method: clinical testing. Allele origin: germline.

PreventionGenetics, part of Exact Sciences
Classification: Likely benign for ACTL6B-related condition. Last evaluated: 2023-12-20. Review status: no assertion criteria provided. Collection method: clinical testing. Allele origin: germline. Not counted in ClinVar's aggregate classification.
Comment: This variant is classified as likely benign based on ACMG/AMP sequence variant interpretation guidelines (Richards et al. 2015 PMID: 25741868, with internal and published modifications).

NM_016188.5(ACTL6B):c.588G>C (p.Gly196=)

Gene: ACTL6B (actin like 6B; minus strand). Cytogenetic location: 7q22.1.
Variant type: single nucleotide variant.
Coding change: c.588G>C on transcript NM_016188.5 (MANE Select); coding-DNA position 588, G replaced by C.
Protein change: p.Gly196=; no amino-acid change (glycine 196 retained).
Molecular consequence: synonymous variant. On other transcripts: non-coding transcript variant (1).
Genome position (GRCh38, 1-based): chr7:100,648,637, C>G on the plus strand (G>C on the coding strand, the complement: ACTL6B is on the minus strand). VCF-style: chr7-100648637-C-G. GRCh37 (hg19) VCF-style: chr7-100246260-C-G.
Other names: c.588G>C (NM_016188.4).
Identifiers: ClinVar variation 2657755 (VCV002657755.26), dbSNP rs74890254, ClinGen allele CA4387213.